The following is an entry in ClinVar:

ClinVar aggregate classification (germline): Pathogenic (1 of 4 stars; one submission).

Conditions:
Seizures, benign familial infantile, 3 (BFIS3). Also called: CONVULSIONS, BENIGN FAMILIAL INFANTILE, 3; Familial neonatal seizures. Identifiers: Orphanet 140927, Orphanet 306, MedGen C1843140, MONDO:0011904, OMIM 607745.
Developmental and epileptic encephalopathy, 11 (DEE11). Also called: Early infantile epileptic encephalopathy 11. Identifiers: Orphanet 1934, MedGen C3150987, MONDO:0013388, OMIM 613721.

Submission:

Labcorp Genetics (formerly Invitae), Labcorp
Classification: Pathogenic for Seizures, benign familial infantile, 3; Developmental and epileptic encephalopathy, 11. Last evaluated: 2023-08-18. Review status: criteria provided, single submitter. Criteria: Invitae Variant Classification Sherloc (09022015). Collection method: clinical testing. Allele origin: germline.
Comment: This sequence change replaces glycine, which is neutral and non-polar, with arginine, which is basic and polar, at codon 879 of the SCN2A protein (p.Gly879Arg). Information on the frequency of this variant in the gnomAD database is not available, as this variant may be reported differently in the database. This missense change has been observed in individual(s) with clinical features of developmental and epileptic encephalopathy (PMID: 25473036, 35417276; Invitae; external communication). In at least one individual the variant was observed to be de novo. ClinVar contains an entry for this variant (Variation ID: 2114224). Experimental studies and prediction algorithms are not available or were not evaluated, and the functional significance of this variant is currently unknown. For these reasons, this variant has been classified as Pathogenic.

Literature cited by the submitters: PubMed 25473036; PubMed 35417276.

NM_001040142.2(SCN2A):c.2634_2635delinsTC (p.Gly879Arg)

Gene: SCN2A (sodium voltage-gated channel alpha subunit 2; plus strand). Cytogenetic location: 2q24.3.
Variant type: Indel.
Coding change: c.2634_2635delinsTC on transcript NM_001040142.2 (MANE Select); coding-DNA positions 2634 to 2635, GG replaced by TC.
Protein change: p.Gly879Arg; replaces glycine 879 with arginine.
Molecular consequence: missense variant.
Genome position (GRCh38, 1-based): chr2:165,344,626-165,344,627, GG replaced by TC. VCF-style: chr2-165344626-GG-TC. GRCh37 (hg19) VCF-style: chr2-166201136-GG-TC.
Other names: c.2634_2635delinsTC, p.Gly879Arg (NM_001040143.2, NM_001371246.1, NM_001371247.1 and 1 more transcripts); short protein forms G879R.
Identifiers: ClinVar variation 2114224 (VCV002114224.4), dbSNP rs2468007402, ClinGen allele CA2580064222.